The following is an entry in ClinVar:

ClinVar aggregate classification (germline): Uncertain significance. Review status: criteria provided, multiple submitters, no conflicts (2 of 4 stars). 2 submissions from 2 submitters: Uncertain significance (2). Last evaluated 2026-07-06.

Conditions:
Oligodontia-cancer predisposition syndrome. Also called: TOOTH AGENESIS-COLORECTAL CANCER SYNDROME. Identifiers: Orphanet 300576, MedGen C1837750, MONDO:0012075, OMIM 608615. Disease mechanism: loss of function.
Hereditary cancer-predisposing syndrome. Also called: Hereditary Cancer Syndrome; Hereditary neoplastic syndrome; Neoplastic Syndromes, Hereditary; Tumor predisposition. Identifiers: Orphanet 140162, MedGen C0027672, MeSH D009386, MONDO:0015356.

Submissions (2):

Ambry Genetics
Classification: Uncertain significance for Hereditary cancer-predisposing syndrome. Last evaluated: 2026-07-06. Review status: criteria provided, single submitter. Criteria: Ambry Variant Classification Scheme 2023. Collection method: clinical testing. Allele origin: germline.
Comment: The p.P450A variant (also known as c.1348C>G), located in coding exon 5 of the AXIN2 gene, results from a C to G substitution at nucleotide position 1348. The proline at codon 450 is replaced by alanine, an amino acid with highly similar properties. This amino acid position is conserved. In addition, the in silico prediction for this alteration is inconclusive. Based on the available evidence, the clinical significance of this variant remains unclear.

Labcorp Genetics (formerly Invitae), Labcorp
Classification: Uncertain significance for Oligodontia-cancer predisposition syndrome. Last evaluated: 2023-12-30. Review status: criteria provided, single submitter. Criteria: Invitae Variant Classification Sherloc (09022015). Collection method: clinical testing. Allele origin: germline.
Comment: This sequence change replaces proline, which is neutral and non-polar, with alanine, which is neutral and non-polar, at codon 450 of the AXIN2 protein (p.Pro450Ala). This variant is not present in population databases (gnomAD no frequency). This variant has not been reported in the literature in individuals affected with AXIN2-related conditions. Advanced modeling of protein sequence and biophysical properties (such as structural, functional, and spatial information, amino acid conservation, physicochemical variation, residue mobility, and thermodynamic stability) performed at Invitae indicates that this missense variant is expected to disrupt AXIN2 protein function with a positive predictive value of 80%. In summary, the available evidence is currently insufficient to determine the role of this variant in disease. Therefore, it has been classified as a Variant of Uncertain Significance.

NM_004655.4(AXIN2):c.1348C>G (p.Pro450Ala)

Gene: AXIN2 (axin 2; minus strand). Cytogenetic location: 17q24.1.
Variant type: single nucleotide variant.
Coding change: c.1348C>G on transcript NM_004655.4 (MANE Select); coding-DNA position 1348, C replaced by G.
Protein change: p.Pro450Ala; replaces proline 450 with alanine.
Molecular consequence: missense variant.
Genome position (GRCh38, 1-based): chr17:65,537,688, G>C on the plus strand (C>G on the coding strand, the complement: AXIN2 is on the minus strand). VCF-style: chr17-65537688-G-C. GRCh37 (hg19) VCF-style: chr17-63533806-G-C.
Other names: c.1348C>G, p.Pro450Ala (NM_001363813.1); short protein forms P450A.
Identifiers: ClinVar variation 2915594 (VCV002915594.4), dbSNP rs2509416400, ClinGen allele CA400677676.
Genomic context (GRCh38, chr17:65,537,688, plus strand): 5'-GGTGGTCCGGGGAGCGGGAGCGGGGGCTATAGCGGCCTACGCCTGGAGACTGGCAGCCAG[G>C]GGTCTTGAGGACCCTGGACAGGTGATCGTCCAGTATCGTCTGCGGGTCTTCCTCGTAGCT-3'
Protein context (NP_004646.3, residues 440-460): DDHLSRVLKT[Pro450Ala]GCQSPGVGRY